The following is an entry in ClinVar:

ClinVar aggregate classification (germline): Pathogenic (1 of 4 stars; one submission).

Conditions:
Hereditary angioedema type 1 (HAE1). Identifiers: Orphanet 100050, Orphanet 100051, Orphanet 91378, MedGen C2717906, MONDO:0015053, OMIM 106100.

Submission:

Department of Immunology and Histocompatibility, University of Thessaly
Classification: Pathogenic for Hereditary angioedema type 1. Review status: criteria provided, single submitter. Criteria: ACMG Guidelines, 2015. Collection method: clinical testing. Allele origin: germline. Affected: yes. Observed: 4 variant alleles.
Comment: The c.586_589delATCC (p.IleSerfs*14) variant has been previously reported in association with hereditary angioedema in the literature (Speletas et al., 2015; Loules et al., 2018). It is a frameshift variant that causes the substitution of an Interleucine by a Serine and the formation of a termination codon in a new site, at the 14th amino acid of the new reading frame. It was detected by our laboratory in 4 C1-INH HAE Type I patients, members of a Greek family (3 male and 1 female). It has never been detected in approximately 120000 individuals of the Exome Aggregation Consortium (ExAC) nor in 1000Genome Project, indicating that it is not a common variant. Taking all the above into account and according to ACMG Guidelines (Criteria: PVS1, PM2, PM4, PP1, PP4) the variant is considered pathogenic.

Literature cited by the submitters: PubMed 29753808.

NM_000062.3(SERPING1):c.586_589del (p.Ile196fs)

Gene: SERPING1 (serpin family G member 1; plus strand). Cytogenetic location: 11q12.1.
Variant type: Deletion.
Coding change: c.586_589del on transcript NM_000062.3 (MANE Select); coding-DNA positions 586 to 589, 4 bases deleted (ATCC; older notation c.586_589delATCC).
Protein change: p.Ile196fs; shifts the reading frame from isoleucine 196.
Molecular consequence: frameshift variant.
Genome position (GRCh38, 1-based): chr11:57,602,070-57,602,073, ATCC deleted; deleting any 4 consecutive bases within chr11:57,602,069-57,602,073 gives the same sequence; the c. name uses the placement nearest the transcript's 3' end. VCF-style (leftmost placement, unchanged base first): chr11-57602068-GCATC-G. GRCh37 (hg19) VCF-style: chr11-57369541-GCATC-G.
Other names: c.586_589del, p.Ile196fs (NM_001032295.2); c.586_589delATCC (NM_000062.2); short protein forms I196fs.
Identifiers: ClinVar variation 626356 (VCV000626356.2), dbSNP rs1565170287, ClinGen allele CA913190268.